The following is an entry in ClinVar:

NM_145294.5(WDR90):c.560-7C>T

Gene: WDR90 (WD repeat domain 90; plus strand). Cytogenetic location: 16p13.3.
Variant type: single nucleotide variant.
Coding change: c.560-7C>T on transcript NM_145294.5 (MANE Select); 7 bases into the intron before coding-DNA position 560, C replaced by T.
Molecular consequence: intron variant.
Genome position (GRCh38, 1-based): chr16:650,988, C>T. VCF-style: chr16-650988-C-T. GRCh37 (hg19) VCF-style: chr16-700988-C-T.
Identifiers: ClinVar variation 2645835 (VCV002645835.24), dbSNP rs187459379, ClinGen allele CA7782464.

ClinVar aggregate classification (germline): Likely benign (1 of 4 stars; one submission).

Allele frequency attached by ClinVar (database versions not stated): ESP Exome Variant Server 0.00241; TOPMed 0.00266; gnomAD 0.00275; 1000 Genomes Project 0.00280; 1000 Genomes Project 30x 0.00375; gnomAD exomes 0.00408; ExAC 0.00434.
gnomAD v4.1: 6,358 of 1,612,946 alleles (0.39%); highest among the groups gnomAD compares: Middle Eastern, 1%; 32 homozygotes.

Submission:

CeGaT Center for Human Genetics Tuebingen
Classification: Likely benign. Last evaluated: 2023-03-01. Review status: criteria provided, single submitter. Criteria: CeGaT Center For Human Genetics Tuebingen Variant Classification Criteria Version 2. Collection method: clinical testing. Allele origin: germline. Affected: yes. Observed: 1 variant allele.
Comment: WDR90: BP4, BS2